The following is an entry in ClinVar:

ClinVar aggregate classification (germline): Uncertain significance (1 of 4 stars; one submission).

gnomAD v4.1: 2 of 1,599,344 alleles (0.00013%); highest among the groups gnomAD compares: African/African-American, 0.0027%; no homozygotes.

Submission:

Labcorp Genetics (formerly Invitae), Labcorp
Classification: Uncertain significance. Last evaluated: 2024-08-22. Review status: criteria provided, single submitter. Criteria: Invitae Variant Classification Sherloc (09022015). Collection method: clinical testing. Allele origin: germline.
Comment: This sequence change replaces aspartic acid, which is acidic and polar, with valine, which is neutral and non-polar, at codon 350 of the ARHGEF1 protein (p.Asp350Val). This variant is present in population databases (no rsID available, gnomAD 0.01%). This variant has not been reported in the literature in individuals affected with ARHGEF1-related conditions. An algorithm developed to predict the effect of missense changes on protein structure and function (PolyPhen-2) suggests that this variant is likely to be disruptive. In summary, the available evidence is currently insufficient to determine the role of this variant in disease. Therefore, it has been classified as a Variant of Uncertain Significance.

NM_004706.4(ARHGEF1):c.1004A>T (p.Asp335Val)

Gene: ARHGEF1 (Rho guanine nucleotide exchange factor 1; plus strand). Cytogenetic location: 19q13.2.
Variant type: single nucleotide variant.
Coding change: c.1004A>T on transcript NM_004706.4 (MANE Select); coding-DNA position 1004, A replaced by T.
Protein change: p.Asp335Val; replaces aspartic acid 335 with valine.
Molecular consequence: missense variant. On other transcripts: non-coding transcript variant (2).
Genome position (GRCh38, 1-based): chr19:41,895,475, A>T. VCF-style: chr19-41895475-A-T. GRCh37 (hg19) VCF-style: chr19-42399548-A-T.
Other names: c.1004A>T, p.Asp335Val (NM_001396000.1, NM_001396003.1, NM_001396006.1); c.905A>T, p.Asp302Val (NM_001396002.1, NM_001396004.1, NM_198977.2); c.1049A>T, p.Asp350Val (NM_199002.2); short protein forms D302V, D335V, D350V.
Identifiers: ClinVar variation 3631227 (VCV003631227.2).